The following is an entry in ClinVar:

NM_007055.4(POLR3A):c.50A>G (p.His17Arg)

Gene: POLR3A (RNA polymerase III subunit A; minus strand). Cytogenetic location: 10q22.3.
Variant type: single nucleotide variant.
Coding change: c.50A>G on transcript NM_007055.4 (MANE Select); coding-DNA position 50, A replaced by G.
Protein change: p.His17Arg; replaces histidine 17 with arginine.
Molecular consequence: missense variant.
Genome position (GRCh38, 1-based): chr10:78,026,224, T>C on the plus strand (A>G on the coding strand, the complement: POLR3A is on the minus strand). VCF-style: chr10-78026224-T-C. GRCh37 (hg19) VCF-style: chr10-79785982-T-C.
Other names: short protein forms H17R.
Identifiers: ClinVar variation 1431611 (VCV001431611.3), dbSNP rs780458635, ClinGen allele CA5571804.

ClinVar aggregate classification (germline): Uncertain significance (1 of 4 stars; one submission).

Allele frequency attached by ClinVar (database versions not stated): ExAC 0.00002; gnomAD exomes 0.00002 and 0.00004; gnomAD 0.00003 and 0.00004; TOPMed 0.00003.
gnomAD v4.1: 56 of 1,614,132 alleles (0.0035%); highest among the groups gnomAD compares: Admixed American, 0.005%; no homozygotes.

Submission:

Labcorp Genetics (formerly Invitae), Labcorp
Classification: Uncertain significance. Last evaluated: 2022-10-17. Review status: criteria provided, single submitter. Criteria: Invitae Variant Classification Sherloc (09022015). Collection method: clinical testing. Allele origin: germline.
Comment: This sequence change replaces histidine, which is basic and polar, with arginine, which is basic and polar, at codon 17 of the POLR3A protein (p.His17Arg). This variant is present in population databases (rs780458635, gnomAD 0.004%). This variant has not been reported in the literature in individuals affected with POLR3A-related conditions. ClinVar contains an entry for this variant (Variation ID: 1431611). Advanced modeling of protein sequence and biophysical properties (such as structural, functional, and spatial information, amino acid conservation, physicochemical variation, residue mobility, and thermodynamic stability) performed at Invitae indicates that this missense variant is not expected to disrupt POLR3A protein function. In summary, the available evidence is currently insufficient to determine the role of this variant in disease. Therefore, it has been classified as a Variant of Uncertain Significance.